The following is an entry in ClinVar:

NM_000180.4(GUCY2D):c.1343C>A (p.Ser448Ter)

Gene: GUCY2D (guanylate cyclase 2D, retinal; plus strand). Cytogenetic location: 17p13.1.
Variant type: single nucleotide variant.
Coding change: c.1343C>A on transcript NM_000180.4 (MANE Select); coding-DNA position 1343, C replaced by A.
Protein change: p.Ser448Ter; replaces serine 448 with a stop codon.
Molecular consequence: nonsense.
Genome position (GRCh38, 1-based): chr17:8,006,679, C>A. VCF-style: chr17-8006679-C-A. GRCh37 (hg19) VCF-style: chr17-7909997-C-A.
Other names: NM_000180.4(GUCY2D):c.1343C>A; p.Ser448Ter; short protein forms S448*.
Identifiers: ClinVar variation 98540 (VCV000098540.60), dbSNP rs61749679, ClinGen allele CA226043.

ClinVar aggregate classification (germline): Pathogenic. Review status: reviewed by expert panel (3 of 4 stars). 13 submissions from 13 submitters: Pathogenic (1). 12 of the submissions do not count toward it. Last evaluated 2025-01-31.

Conditions:
GUCY2D-related disorder. Also called: GUCY2D-related condition.
GUCY2D-related disorders.
Choroidal dystrophy, central areolar, 1. Identifiers: Orphanet 75377, MedGen C4551884, MONDO:0024539, OMIM 215500.
Leber congenital amaurosis 1 (LCA1). Also called: RETINAL BLINDNESS, CONGENITAL; Congenital absence of the rods and cones; Leber's congenital tapetoretinal degeneration; Leber's congenital tapetoretinal dysplasia; AMAUROSIS CONGENITA OF LEBER I. Identifiers: Orphanet 65, MedGen C2931258, MONDO:0008764, OMIM 204000.
Cone-rod dystrophy 6 (CORD6). Also called: RETINAL CONE DYSTROPHY 2; Cone dystrophy progressive. Identifiers: Orphanet 1872, MedGen C1866293, MONDO:0011143, OMIM 601777.
Night blindness, congenital stationary, type1i. Also called: NIGHT BLINDNESS, CONGENITAL STATIONARY, TYPE 1I. Identifiers: MedGen C5231408, MONDO:0032811, OMIM 618555.
GUCY2D-related recessive retinopathy. Also called: Recessive GUCY2D retinopathy. Identifiers: MedGen CN305603, MONDO:0100453.
Retinal dystrophy. Also called: Inherited retinal dystrophy. Identifiers: Orphanet 71862, MedGen C0854723, MeSH D058499, MONDO:0019118, HP:0000556.

Allele frequency attached by ClinVar (database versions not stated): TOPMed 0.00002.

Submissions (13):

ClinGen Leber Congenital Amaurosis/early Onset Retinal Dystrophy Variant Curation Expert Panel, ClinGen
Classification: Pathogenic for GUCY2D-related recessive retinopathy. Last evaluated: 2025-01-31. Review status: reviewed by expert panel. Criteria: ClinGen LCAeoRD ACMG Specifications GUCY2D V1.0.0. Collection method: curation. Allele origin: germline. Inheritance: Autosomal recessive inheritance.
Comment: NM_000180.4(GUCY2D):c.1343C>A (p.Ser448Ter) is a nonsense variant that introduces a premature stop codon into exon 4 of 20, and is predicted to lead to nonsense-mediated decay in a gene in which loss-of-function is an established mechanism of disease (PVS1). This variant is present in gnomAD v.4.1.0 at a total allele frequency of 0.00001242, with 20 alleles / 1610586 total alleles, which is lower than the ClinGen LCA/eoRD VCEP PM2_Supporting threshold of <0.0002 (PM2_Supporting). At least one proband harboring this variant exhibits a phenotype including diagnosis of Leber congenital amaurosis (0.5 pts) during the first year of life (1 pt), as well as nystagmus (1 pt), non-recordable electroretinogram responses from both rods (0.5 pts) and cones (1 pt), and normal fundus, which together are specific for GUCY2D-related recessive retinopathy (total 4 points, PMID: 10951519, PP4). In summary, this variant meets the criteria to be classified as pathogenic for GUCY2D-related recessive retinopathy based on the ACMG/AMP criteria applied, as specified by the ClinGen LCA/eoRD VCEP: PVS1, PM2_Supporting, and PP4. (VCEP specifications version 1.0.0; date of approval 01/22/2025).

GeneDx
Classification: Pathogenic. Last evaluated: 2026-10-08. Review status: criteria provided, single submitter. Criteria: GeneDx Variant Classification Process June 2021. Collection method: clinical testing. Allele origin: germline. Not counted in ClinVar's aggregate classification.
Comment: Nonsense variant predicted to result in protein truncation or nonsense mediated decay in a gene for which loss of function is a known mechanism of disease; This variant is associated with the following publications: (PMID: 10951519, 38219857, 38777102, 31964843, 32531858, 15024725, 32865313, 29548835)

PreventionGenetics, part of Exact Sciences
Classification: Pathogenic for GUCY2D-related condition. Last evaluated: 2026-05-26. Review status: criteria provided, single submitter. Criteria: ACMG Guidelines, 2015. Collection method: clinical testing. Allele origin: germline. Not counted in ClinVar's aggregate classification.
Comment: The GUCY2D c.1343C>A variant is predicted to result in premature protein termination (p.Ser448*). This variant has been previously reported in the apparently homozygous state or along with a second GUCY2D variant in several individuals with Leber's congenital amaurosis or inherited retinal disease (Perrault et al 2000. PubMed ID: 10951519; Rozet JM et al 2001. PubMed ID: 11328726; Sallum JMF et al 2020. PubMed ID: 32865313; Table S2, Weisschuh N et al 2020. PubMed ID: 32531858; Table S1, Lin et al. 2024. PubMed ID: 38219857). This variant is reported in 0.017% of alleles in individuals of Latino descent in gnomAD. Nonsense variants in GUCY2D are expected to be pathogenic. This variant is interpreted as pathogenic.

Dasa
Classification: Pathogenic. Last evaluated: 2026-04-28. Review status: criteria provided, single submitter. Criteria: DASA Assertion Criteria. Collection method: clinical testing. Allele origin: germline. Not counted in ClinVar's aggregate classification.
Comment: NM_000180.4(GUCY2D):c.1343C>A (p.Ser448*) introduces a premature termination codon predicted to result in loss of normal protein function. Loss-of-function is an established mechanism of disease for this gene. This variant has been observed in affected individuals with related phenotype in a genotype context consistent with recessive disease. The variant is present at low frequency in population datasets. Based on the available data, this variant is classified as pathogenic.

Labcorp Genetics (formerly Invitae), Labcorp
Classification: Pathogenic for Leber congenital amaurosis 1; Cone-rod dystrophy 6. Last evaluated: 2025-10-21. Review status: criteria provided, single submitter. Criteria: Invitae Variant Classification Sherloc (09022015). Collection method: clinical testing. Allele origin: germline. Not counted in ClinVar's aggregate classification.
Comment: This sequence change creates a premature translational stop signal (p.Ser448*) in the GUCY2D gene. It is expected to result in an absent or disrupted protein product. Loss-of-function variants in GUCY2D are known to be pathogenic (PMID: 10951519, 11328726). This variant is present in population databases (rs61749679, gnomAD 0.02%). This premature translational stop signal has been observed in individual(s) with Leber congenital amaurosis (PMID: 10951519). ClinVar contains an entry for this variant (Variation ID: 98540). For these reasons, this variant has been classified as Pathogenic.

3billion
Classification: Pathogenic for Leber congenital amaurosis 1. Last evaluated: 2025-06-18. Review status: criteria provided, single submitter. Criteria: ACMG Guidelines, 2015. Collection method: clinical testing. Allele origin: germline. Affected: yes. Not counted in ClinVar's aggregate classification.
Comment: The variant is observed at an extremely low frequency in the gnomAD v4.1.0 dataset (total allele frequency: 0.001%). Predicted Consequence/Location: Stop-gained (nonsense): predicted to result in a loss or disruption of normal protein function through nonsense-mediated decay (NMD) or protein truncation. Multiple pathogenic variants are reported downstream of the variant. The variant has been reported multiple times as an established pathogenic variant (ClinVar ID: VCV000098540 /PMID: 10951519). Therefore, this variant is classified as Pathogenic according to the recommendation of ACMG/AMP guideline.

Fulgent Genetics
Classification: Pathogenic for Leber congenital amaurosis 1; Choroidal dystrophy, central areolar, 1; Cone-rod dystrophy 6; Night blindness, congenital stationary, type1i. Last evaluated: 2024-05-15. Review status: criteria provided, single submitter. Criteria: ACMG Guidelines, 2015. Collection method: clinical testing. Allele origin: germline. Not counted in ClinVar's aggregate classification.

Blueprint Genetics
Classification: Pathogenic for GUCY2D-related disorders. Last evaluated: 2020-11-17. Review status: criteria provided, single submitter. Criteria: ACMG Guidelines, 2015. Collection method: clinical testing. Allele origin: germline. Affected: yes. Observed: 2 variant alleles. Not counted in ClinVar's aggregate classification.

Mendelics
Classification: Pathogenic for Cone-rod dystrophy 6. Last evaluated: 2019-05-28. Review status: criteria provided, single submitter. Criteria: Mendelics Assertion Criteria 2017. Collection method: clinical testing. Allele origin: unknown. Not counted in ClinVar's aggregate classification.

CeGaT Center for Human Genetics Tuebingen
Classification: Pathogenic. Last evaluated: 2016-10-01. Review status: criteria provided, single submitter. Criteria: CeGaT Center For Human Genetics Tuebingen Variant Classification Criteria Version 2. Collection method: clinical testing. Allele origin: germline. Affected: yes. Observed: 1 variant allele. Not counted in ClinVar's aggregate classification.

Institute of Human Genetics, Univ. Regensburg, Univ. Regensburg
Classification: Pathogenic for Retinal dystrophy. Last evaluated: 2008-01-01. Review status: criteria provided, single submitter. Criteria: ACMG Guidelines, 2015. Collection method: clinical testing. Allele origin: germline. Affected: yes. Not counted in ClinVar's aggregate classification.

Laboratory of Genetics in Ophthalmology, Institut Imagine
Classification: Pathogenic for Leber congenital amaurosis 1. Review status: no assertion criteria provided. Collection method: research. Allele origin: inherited. Affected: yes. Observed: 1 variant allele. Not counted in ClinVar's aggregate classification.

Retina International
No classification provided. Review status: no classification provided. Collection method: not provided. Allele origin: not provided. Not counted in ClinVar's aggregate classification.

Literature cited by the submitters: PubMed 10951519 (cited by 4 submitters); PubMed 11328726 (cited by Labcorp Genetics (formerly Invitae), Labcorp); PubMed 29548835 (cited by Institute of Human Genetics, Univ. Regensburg, Univ. Regensburg); PubMed 31964843 (cited by Institute of Human Genetics, Univ. Regensburg, Univ. Regensburg); PubMed 32865313 (cited by Institute of Human Genetics, Univ. Regensburg, Univ. Regensburg); PubMed 32531858 (cited by Institute of Human Genetics, Univ. Regensburg, Univ. Regensburg).